The following is an entry in ClinVar:

NM_004055.5(CAPN5):c.180C>A (p.Asp60Glu)

Gene: CAPN5 (calpain 5; plus strand). Cytogenetic location: 11q13.5.
Variant type: single nucleotide variant.
Coding change: c.180C>A on transcript NM_004055.5 (MANE Select); coding-DNA position 180, C replaced by A.
Protein change: p.Asp60Glu; replaces aspartic acid 60 with glutamic acid.
Molecular consequence: missense variant.
Genome position (GRCh38, 1-based): chr11:77,093,696, C>A. VCF-style: chr11-77093696-C-A. GRCh37 (hg19) VCF-style: chr11-76804742-C-A.
Other names: short protein forms D60E.
Identifiers: ClinVar variation 838836 (VCV000838836.10), dbSNP rs782370432, ClinGen allele CA6196190.

ClinVar aggregate classification (germline): Uncertain significance. Review status: criteria provided, multiple submitters, no conflicts (2 of 4 stars). 2 submissions from 2 submitters: Uncertain significance (2). Last evaluated 2025-12-25.

Allele frequency attached by ClinVar (database versions not stated): TOPMed below 0.00001; gnomAD 0.00001; gnomAD exomes 0.00001 and 0.00002; ExAC 0.00004.

Submissions (2):

Labcorp Genetics (formerly Invitae), Labcorp
Classification: Uncertain significance. Last evaluated: 2025-12-25. Review status: criteria provided, single submitter. Criteria: Invitae Variant Classification Sherloc (09022015). Collection method: clinical testing. Allele origin: germline.
Comment: This sequence change replaces aspartic acid, which is acidic and polar, with glutamic acid, which is acidic and polar, at codon 60 of the CAPN5 protein (p.Asp60Glu). This variant is present in population databases (rs782370432, gnomAD 0.002%). This variant has not been reported in the literature in individuals affected with CAPN5-related conditions. ClinVar contains an entry for this variant (Variation ID: 838836). Invitae Evidence Modeling of protein sequence and biophysical properties (such as structural, functional, and spatial information, amino acid conservation, physicochemical variation, residue mobility, and thermodynamic stability) indicates that this missense variant is not expected to disrupt CAPN5 protein function with a negative predictive value of 80%. In summary, the available evidence is currently insufficient to determine the role of this variant in disease. Therefore, it has been classified as a Variant of Uncertain Significance.

Blueprint Genetics
Classification: Uncertain significance. Last evaluated: 2020-08-21. Review status: criteria provided, single submitter. Criteria: ACMG Guidelines, 2015. Collection method: clinical testing. Allele origin: germline.